The following is an entry in ClinVar:

NM_001103.4(ACTN2):c.1358C>G (p.Ala453Gly)

Gene: ACTN2 (actinin alpha 2; plus strand). Cytogenetic location: 1q43.
Variant type: single nucleotide variant.
Coding change: c.1358C>G on transcript NM_001103.4 (MANE Select); coding-DNA position 1358, C replaced by G.
Protein change: p.Ala453Gly; replaces alanine 453 with glycine.
Molecular consequence: missense variant.
Genome position (GRCh38, 1-based): chr1:236,744,728, C>G. VCF-style: chr1-236744728-C-G. GRCh37 (hg19) VCF-style: chr1-236908028-C-G.
Other names: c.1358C>G, p.Ala453Gly (NM_001278343.2); c.734C>G, p.Ala245Gly (NM_001278344.2); short protein forms A453G, A245G.
Identifiers: ClinVar variation 570417 (VCV000570417.13), dbSNP rs566860712, ClinGen allele CA345382869.

ClinVar aggregate classification (germline): Uncertain significance. Review status: criteria provided, multiple submitters, no conflicts (2 of 4 stars). 3 submissions from 3 submitters: Uncertain significance (3). Last evaluated 2025-06-17.

Conditions:
Dilated cardiomyopathy 1AA (CMD1AA). Also called: Cardiomyopathy, dilated, 1AA, with or without LVNC; CARDIOMYOPATHY, DILATED, 1AA, WITH OR WITHOUT LEFT VENTRICULAR NONCOMPACTION; CARDIOMYOPATHY, FAMILIAL HYPERTROPHIC, 23, WITH OR WITHOUT LEFT VENTRICULAR NONCOMPACTION. Identifiers: Orphanet 154, MedGen C2677338, MONDO:0012808, OMIM 612158.
Primary familial hypertrophic cardiomyopathy (HCM). Identifiers: Orphanet 99739, MedGen C0949658, MeSH D024741, MONDO:0024573. Inheritance: Various modes of inheritance.
Cardiovascular phenotype. Identifiers: MedGen CN230736.

Allele frequency attached by ClinVar (database versions not stated): gnomAD 0.00001; TOPMed 0.00002.
gnomAD v4.1: 4 of 1,614,066 alleles (0.00025%); highest among the groups gnomAD compares: Admixed American, 0.0017%; no homozygotes.

Submissions (3):

GeneDx
Classification: Uncertain significance. Last evaluated: 2025-06-17. Review status: criteria provided, single submitter. Criteria: GeneDx Variant Classification Process June 2021. Collection method: clinical testing. Allele origin: germline. Affected: yes.
Comment: Not observed at significant frequency in large population cohorts (gnomAD); In silico analysis supports that this missense variant has a deleterious effect on protein structure/function; Has not been previously published as pathogenic or benign to our knowledge

Labcorp Genetics (formerly Invitae), Labcorp
Classification: Uncertain significance for Primary familial hypertrophic cardiomyopathy; Dilated cardiomyopathy 1AA. Last evaluated: 2024-10-22. Review status: criteria provided, single submitter. Criteria: Invitae Variant Classification Sherloc (09022015). Collection method: clinical testing. Allele origin: germline.
Comment: This sequence change replaces alanine, which is neutral and non-polar, with glycine, which is neutral and non-polar, at codon 453 of the ACTN2 protein (p.Ala453Gly). This variant is present in population databases (no rsID available, gnomAD 0.003%). This variant has not been reported in the literature in individuals affected with ACTN2-related conditions. ClinVar contains an entry for this variant (Variation ID: 570417). Invitae Evidence Modeling of protein sequence and biophysical properties (such as structural, functional, and spatial information, amino acid conservation, physicochemical variation, residue mobility, and thermodynamic stability) indicates that this missense variant is not expected to disrupt ACTN2 protein function with a negative predictive value of 80%. In summary, the available evidence is currently insufficient to determine the role of this variant in disease. Therefore, it has been classified as a Variant of Uncertain Significance.

Ambry Genetics
Classification: Uncertain significance for Cardiovascular phenotype. Last evaluated: 2021-05-05. Review status: criteria provided, single submitter. Criteria: Ambry Variant Classification Scheme 2023. Collection method: clinical testing. Allele origin: germline.
Comment: The p.A453G variant (also known as c.1358C>G), located in coding exon 12 of the ACTN2 gene, results from a C to G substitution at nucleotide position 1358. The alanine at codon 453 is replaced by glycine, an amino acid with similar properties. This amino acid position is highly conserved in available vertebrate species. In addition, the in silico prediction for this alteration is inconclusive. Since supporting evidence is limited at this time, the clinical significance of this alteration remains unclear.